The following is an entry in ClinVar:

NM_000051.4(ATM):c.8363A>C (p.His2788Pro)

Genes: C11orf65 (chromosome 11 open reading frame 65; minus strand), ATM (ATM serine/threonine kinase; plus strand). Cytogenetic location: 11q22.3.
Variant type: single nucleotide variant.
Coding change: c.8363A>C on transcript NM_000051.4 (MANE Select); coding-DNA position 8363, A replaced by C.
Protein change: p.His2788Pro; replaces histidine 2788 with proline.
Molecular consequence: missense variant. On other transcripts: intron variant (2).
Genome position (GRCh38, 1-based): chr11:108,343,316, A>C. VCF-style: chr11-108343316-A-C. GRCh37 (hg19) VCF-style: chr11-108214043-A-C.
Other names: c.8363A>C, p.His2788Pro (NM_001351834.2); c.641-34245T>G (NM_001330368.2); c.695-8024T>G (NM_001351110.2); short protein forms H2788P.
Identifiers: ClinVar variation 482589 (VCV000482589.15), dbSNP rs1555135716, ClinGen allele CA382516507.
Genomic context (GRCh38, chr11:108,343,316, plus strand): 5'-AATGGTGCACAGGAACTGTCCCCATTGGTGAATTTCTTGTTAACAATGAAGATGGTGCTC[A>C]TAAAAGATACAGGCCAAATGATTTCAGTGCCTTTCAGTGCCAAAAGAAAATGATGGTGAG-3'
Protein context (NP_000042.3, residues 2778-2798): EFLVNNEDGA[His2788Pro]KRYRPNDFSA

ClinVar aggregate classification (germline): Uncertain significance. Review status: criteria provided, multiple submitters, no conflicts (2 of 4 stars). 3 submissions from 3 submitters: Uncertain significance (3). Last evaluated 2025-01-11.

Conditions:
Hereditary cancer-predisposing syndrome. Also called: Neoplastic Syndromes, Hereditary; Hereditary Cancer Syndrome; Tumor predisposition; Hereditary neoplastic syndrome. Identifiers: Orphanet 140162, MedGen C0027672, MeSH D009386, MONDO:0015356.
Ataxia-telangiectasia syndrome (AT). Also called: LOUIS-BAR SYNDROME; Cerebello-oculocutaneous telangiectasia; Immunodeficiency with ataxia telangiectasia; Ataxia-telangiectasia, complementation group D; AT, COMPLEMENTATION GROUP C; Ataxia-telangiectasia, complementation group E. Identifiers: Orphanet 100, MedGen C0004135, MONDO:0008840, OMIM 208900.

Submissions (3):

Ambry Genetics
Classification: Uncertain significance for Hereditary cancer-predisposing syndrome. Last evaluated: 2025-01-11. Review status: criteria provided, single submitter. Criteria: Ambry Variant Classification Scheme 2023. Collection method: clinical testing. Allele origin: germline.
Comment: The p.H2788P variant (also known as c.8363A>C), located in coding exon 56 of the ATM gene, results from an A to C substitution at nucleotide position 8363. The histidine at codon 2788 is replaced by proline, an amino acid with similar properties. This amino acid position is highly conserved in available vertebrate species. In addition, this alteration is predicted to be deleterious by in silico analysis. Based on the available evidence, the clinical significance of this variant remains unclear.

Labcorp Genetics (formerly Invitae), Labcorp
Classification: Uncertain significance for Ataxia-telangiectasia syndrome. Last evaluated: 2021-12-27. Review status: criteria provided, single submitter. Criteria: Invitae Variant Classification Sherloc (09022015). Collection method: clinical testing. Allele origin: germline.
Comment: Advanced modeling of protein sequence and biophysical properties (such as structural, functional, and spatial information, amino acid conservation, physicochemical variation, residue mobility, and thermodynamic stability) performed at Invitae indicates that this missense variant is expected to disrupt ATM protein function. In summary, the available evidence is currently insufficient to determine the role of this variant in disease. Therefore, it has been classified as a Variant of Uncertain Significance. ClinVar contains an entry for this variant (Variation ID: 482589). This sequence change replaces histidine, which is basic and polar, with proline, which is neutral and non-polar, at codon 2788 of the ATM protein (p.His2788Pro). This variant is not present in population databases (gnomAD no frequency). This variant has not been reported in the literature in individuals affected with ATM-related conditions.

Color Diagnostics, LLC DBA Color Health
Classification: Uncertain significance for Hereditary cancer-predisposing syndrome. Last evaluated: 2019-06-07. Review status: criteria provided, single submitter. Criteria: ACMG Guidelines, 2015. Collection method: clinical testing. Allele origin: germline.